The following is an entry in ClinVar:

NM_030957.4(ADAMTS10):c.1900+11G>C

Gene: ADAMTS10 (ADAM metallopeptidase with thrombospondin type 1 motif 10; minus strand). Cytogenetic location: 19p13.2.
Variant type: single nucleotide variant.
Coding change: c.1900+11G>C on transcript NM_030957.4 (MANE Select); 11 bases into the intron after coding-DNA position 1900, G replaced by C.
Molecular consequence: intron variant.
Genome position (GRCh38, 1-based): chr19:8,589,878, C>G on the plus strand (G>C on the coding strand, the complement: ADAMTS10 is on the minus strand). VCF-style: chr19-8589878-C-G. GRCh37 (hg19) VCF-style: chr19-8654762-C-G.
Other names: c.372+11G>C (NM_001282352.2).
Identifiers: ClinVar variation 330597 (VCV000330597.15), dbSNP rs78421590, ClinGen allele CA9160326.

ClinVar aggregate classification (germline): Benign. Review status: criteria provided, multiple submitters, no conflicts (2 of 4 stars). 4 submissions from 4 submitters: Benign (4). Last evaluated 2026-02-02.

Conditions:
Weill-Marchesani syndrome. Also called: WM Syndrome; Mesodermal dysmorphodystrophy congenital. Identifiers: Orphanet 3449, MedGen C0265313, MONDO:0018096.

Allele frequency attached by ClinVar (database versions not stated): gnomAD exomes 0.00301 and 0.00798; ExAC 0.00973; gnomAD 0.02763 and 0.02958; TOPMed 0.03110; ESP Exome Variant Server 0.03168; 1000 Genomes Project 0.03255; 1000 Genomes Project 30x 0.03435.

Submissions (4):

Labcorp Genetics (formerly Invitae), Labcorp
Classification: Benign. Last evaluated: 2026-02-02. Review status: criteria provided, single submitter. Criteria: Invitae Variant Classification Sherloc (09022015). Collection method: clinical testing. Allele origin: germline.

GeneDx
Classification: Benign. Last evaluated: 2019-03-21. Review status: criteria provided, single submitter. Criteria: GeneDx Variant Classification Process June 2021. Collection method: clinical testing. Allele origin: germline. Affected: yes.

Illumina Laboratory Services, Illumina
Classification: Benign for Weill-Marchesani syndrome. Last evaluated: 2018-01-12. Review status: criteria provided, single submitter. Criteria: ICSL Variant Classification Criteria 13 December 2019. Collection method: clinical testing. Allele origin: germline.
Comment: This variant was observed in the ICSL laboratory as part of a predisposition screen in an ostensibly healthy population. It had not been previously curated by ICSL or reported in the Human Gene Mutation Database (HGMD: prior to June 1st, 2018), and was therefore a candidate for classification through an automated scoring system. Utilizing variant allele frequency, disease prevalence and penetrance estimates, and inheritance mode, an automated score was calculated to assess if this variant is too frequent to cause the disease. Based on the score and internal cut-off values, a variant classified as benign is not then subjected to further curation. The score for this variant resulted in a classification of benign for this disease.

Breakthrough Genomics
Classification: Benign. Review status: criteria provided, single submitter. Criteria: ACMG Guidelines, 2015. Collection method: not provided. Allele origin: germline. Inheritance: Autosomal recessive inheritance. Affected: yes.